The following is an entry in ClinVar:

NM_004360.5(CDH1):c.2190T>C (p.Phe730=)

Gene: CDH1 (cadherin 1; plus strand). Cytogenetic location: 16q22.1.
Variant type: single nucleotide variant.
Coding change: c.2190T>C on transcript NM_004360.5 (MANE Select); coding-DNA position 2190, T replaced by C.
Protein change: p.Phe730=; no amino-acid change (phenylalanine 730 retained).
Molecular consequence: synonymous variant.
Genome position (GRCh38, 1-based): chr16:68,828,199, T>C. VCF-style: chr16-68828199-T-C. GRCh37 (hg19) VCF-style: chr16-68862102-T-C.
Other names: c.2007T>C, p.Phe669= (NM_001317184.2); c.642T>C, p.Phe214= (NM_001317185.2); c.225T>C, p.Phe75= (NM_001317186.2).
Identifiers: ClinVar variation 3378425 (VCV003378425.1).

ClinVar aggregate classification (germline): Benign (1 of 4 stars; one submission).

Conditions:
Hereditary diffuse gastric adenocarcinoma (HDGC). Also called: DIFFUSE GASTRIC AND LOBULAR BREAST CANCER SYNDROME. Identifiers: Orphanet 26106, MedGen C1708349, MONDO:0007648, OMIM 137215.

Submission:

Myriad Genetics, Inc.
Classification: Benign for Hereditary diffuse gastric adenocarcinoma. Last evaluated: 2024-09-20. Review status: criteria provided, single submitter. Criteria: Myriad Autosomal Dominant, Autosomal Recessive and X-Linked Classification Criteria (2023). Collection method: clinical testing. Allele origin: unknown.
Comment: This variant is considered benign. This variant is a silent/synonymous amino acid change and it is not expected to impact splicing.